The following is an entry in ClinVar:

ClinVar aggregate classification (germline): Likely benign. Review status: criteria provided, multiple submitters, no conflicts (2 of 4 stars). 2 submissions from 2 submitters: Likely benign (2). Last evaluated 2025-08-20.

Conditions:
Catecholaminergic polymorphic ventricular tachycardia 1. Also called: RYR2-Related Catecholaminergic Polymorphic Ventricular Tachycardia; VENTRICULAR TACHYCARDIA, STRESS-INDUCED POLYMORPHIC 1; VENTRICULAR TACHYCARDIA, CATECHOLAMINERGIC POLYMORPHIC, 1, WITH OR WITHOUT ATRIAL DYSFUNCTION AND/OR DILATED CARDIOMYOPATHY. Identifiers: Orphanet 3286, MedGen C1631597, MONDO:0011484, OMIM 604772.

Allele frequency attached by ClinVar (database versions not stated): ExAC 0.00001; gnomAD 0.00001; gnomAD exomes 0.00001 and 0.00003; TOPMed 0.00003.
gnomAD v4.1: 11 of 1,552,370 alleles (0.00071%); highest among the groups gnomAD compares: East Asian, 0.023%; no homozygotes.

Submissions (2):

Labcorp Genetics (formerly Invitae), Labcorp
Classification: Likely benign for Catecholaminergic polymorphic ventricular tachycardia 1. Last evaluated: 2025-08-20. Review status: criteria provided, single submitter. Criteria: Invitae Variant Classification Sherloc (09022015). Collection method: clinical testing. Allele origin: germline.

GeneDx
Classification: Likely benign. Last evaluated: 2016-01-06. Review status: criteria provided, single submitter. Criteria: GeneDx Variant Classification (06012015). Collection method: clinical testing. Allele origin: germline. Affected: yes.
Comment: This variant is considered likely benign or benign based on one or more of the following criteria: it is a conservative change, it occurs at a poorly conserved position in the protein, it is predicted to be benign by multiple in silico algorithms, and/or has population frequency not consistent with disease.

NM_001035.3(RYR2):c.10230+15A>G

Gene: RYR2 (ryanodine receptor 2; plus strand). Cytogenetic location: 1q43.
Variant type: single nucleotide variant.
Coding change: c.10230+15A>G on transcript NM_001035.3 (MANE Select); 15 bases into the intron after coding-DNA position 10230, A replaced by G.
Molecular consequence: intron variant.
Genome position (GRCh38, 1-based): chr1:237,709,582, A>G. VCF-style: chr1-237709582-A-G. GRCh37 (hg19) VCF-style: chr1-237872882-A-G.
Other names: c.10230+15A>G (LRG_402t1).
Identifiers: ClinVar variation 382805 (VCV000382805.4), dbSNP rs770179743, ClinGen allele CA084223.